The following is an entry in ClinVar:

ClinVar aggregate classification (germline): Uncertain significance. Review status: criteria provided, multiple submitters, no conflicts (2 of 4 stars). 2 submissions from 2 submitters: Uncertain significance (2). Last evaluated 2025-06-18.

Conditions:
Cardiomyopathy (CMYO). Also called: Cardiomyopathies. Identifiers: Orphanet 167848, MedGen C0878544, MONDO:0004994, HP:0001638. Inheritance: Various modes of inheritance.
Arrhythmogenic right ventricular cardiomyopathy (ARVD). Also called: Arrhythmogenic right ventricular dysplasia; Cardiomyopathy, ARVC; Arrhythmogenic cardiomyopathy; Arrhythmogenic Right Ventricular Cardiomyopathy (ARVC). Identifiers: Orphanet 247, MedGen C0349788, MeSH D019571, MONDO:0016587. Disease mechanism: loss of function. Inheritance: Various modes of inheritance.

Submissions (2):

Color Diagnostics, LLC DBA Color Health
Classification: Uncertain significance for Cardiomyopathy. Last evaluated: 2025-06-18. Review status: criteria provided, single submitter. Criteria: ACMG Guidelines, 2015. Collection method: clinical testing. Allele origin: germline.
Comment: This variant is located in the 5' untranslated region of the PKP2 gene. To our knowledge, functional studies have not been reported for this variant. This variant has not been reported in individuals affected with PKP2-related disorders in the literature. This variant has not been identified in the general population by the Genome Aggregation Database (gnomAD). The available evidence is insufficient to determine the role of this variant in disease conclusively. Therefore, this variant is classified as a Variant of Uncertain Significance.

All of Us Research Program, National Institutes of Health
Classification: Uncertain significance for Arrhythmogenic right ventricular cardiomyopathy. Last evaluated: 2024-04-30. Review status: criteria provided, single submitter. Criteria: ACMG Guidelines, 2015. Collection method: clinical testing. Allele origin: germline. Inheritance: Autosomal dominant inheritance. Observed: 1 variant allele, 1 heterozygote.
Comment: To date, this variant has not been reported in association with human disease in the medical literature (PMID: 38594305). This variant is absent from or rare in large population databases, including the Genome Aggregation Database. There have not been functional studies reported on this variant.

This study involves interpretation of variants in research participants for the purpose of population health screening. Participant phenotype was not available at the time of variant classification. Additional details can be found in publication PMID: 35346344, PMCID: PMC8962531

Literature cited by the submitters: PubMed 38594305 (cited by All of Us Research Program, National Institutes of Health).

NM_001005242.3(PKP2):c.-7C>A

Gene: PKP2 (plakophilin 2; minus strand). Cytogenetic location: 12p11.21.
Variant type: single nucleotide variant.
Coding change: c.-7C>A on transcript NM_001005242.3 (MANE Select); 7 bases upstream of the start codon, C replaced by A.
Molecular consequence: 5 prime UTR variant.
Genome position (GRCh38, 1-based): chr12:32,896,738, G>T on the plus strand (C>A on the coding strand, the complement: PKP2 is on the minus strand). VCF-style: chr12-32896738-G-T. GRCh37 (hg19) VCF-style: chr12-33049672-G-T.
Other names: c.-7C>A (NM_001407155.1, NM_001407156.1, NM_001407157.1 and 2 more transcripts); c.-833C>A (NM_001407158.1, NM_001407162.1); c.-597C>A (NM_001407159.1, NM_001407160.1).
Identifiers: ClinVar variation 3387506 (VCV003387506.2).